The following is an entry in ClinVar:

NM_024921.4(POF1B):c.*669T>C

Gene: POF1B (POF1B actin binding protein; minus strand). Cytogenetic location: Xq21.1.
Variant type: single nucleotide variant.
Coding change: c.*669T>C on transcript NM_024921.4 (MANE Select); 669 bases downstream of the stop codon, T replaced by C.
Molecular consequence: 3 prime UTR variant.
Genome position (GRCh38, 1-based): chrX:85,278,752, A>G on the plus strand (T>C on the coding strand, the complement: POF1B is on the minus strand). VCF-style: chrX-85278752-A-G. GRCh37 (hg19) VCF-style: chrX-84533758-A-G.
Identifiers: ClinVar variation 368771 (VCV000368771.6), dbSNP rs41300878, ClinGen allele CA10654414.

ClinVar aggregate classification (germline): Benign. Review status: criteria provided, multiple submitters, no conflicts (2 of 4 stars). 2 submissions from 2 submitters: Benign (2). Last evaluated 2017-04-27.

Conditions:
Premature ovarian failure 2B. Identifiers: MedGen C1845105, MONDO:0010373, OMIM 300604.

Allele frequency attached by ClinVar (database versions not stated): TOPMed 0.12407; gnomAD 0.13132 and 0.13250; 1000 Genomes Project 30x 0.13382; 1000 Genomes Project 0.13589; gnomAD exomes 0.35135.
gnomAD v4.1: 14,528 of 110,273 alleles (13%); highest among the groups gnomAD compares: South Asian, 17%; 726 homozygotes.

Submissions (2):

Illumina Laboratory Services, Illumina
Classification: Benign for Premature ovarian failure 2B. Last evaluated: 2017-04-27. Review status: criteria provided, single submitter. Criteria: ICSL Variant Classification Criteria 13 December 2019. Collection method: clinical testing. Allele origin: germline.
Comment: This variant was observed as part of a predisposition screen in an ostensibly healthy population. A literature search was performed for the gene, cDNA change, and amino acid change (where applicable). No publications were found based on this search. Allele frequency data from public databases was too high to be consistent with this variant causing disease. Therefore, this variant is classified as benign.

Breakthrough Genomics
Classification: Benign. Review status: criteria provided, single submitter. Criteria: ACMG Guidelines, 2015. Collection method: not provided. Allele origin: germline. Inheritance: X-linked inheritance. Affected: yes.